The following is an entry in ClinVar:

NM_000090.4(COL3A1):c.2843G>A (p.Gly948Glu)

Gene: COL3A1 (collagen type III alpha 1 chain; plus strand). Cytogenetic location: 2q32.2.
Variant type: single nucleotide variant.
Coding change: c.2843G>A on transcript NM_000090.4 (MANE Select); coding-DNA position 2843, G replaced by A.
Protein change: p.Gly948Glu; replaces glycine 948 with glutamic acid.
Molecular consequence: missense variant.
Genome position (GRCh38, 1-based): chr2:189,004,276, G>A. VCF-style: chr2-189004276-G-A. GRCh37 (hg19) VCF-style: chr2-189869002-G-A.
Other names: short protein forms G948E.
Identifiers: ClinVar variation 236994 (VCV000236994.12), dbSNP rs878853651, ClinGen allele CA10581907.

ClinVar aggregate classification (germline): Likely pathogenic. Review status: criteria provided, multiple submitters, no conflicts (2 of 4 stars). 2 submissions from 2 submitters: Likely pathogenic (2). Last evaluated 2022-06-26.

Conditions:
Ehlers-Danlos syndrome, type 4 (EDSVASC). Also called: Ehlers-Danlos syndrome vascular type; Ehlers Danlos syndrome, ecchymotic type; Ehlers Danlos syndrome, arterial type; Ehlers Danlos syndrome, Sack-Barabas type; Ehlers-Danlos Syndrome Type IV. Identifiers: Orphanet 286, MedGen C0268338, MONDO:0017314, OMIM 130050.

Submissions (2):

Labcorp Genetics (formerly Invitae), Labcorp
Classification: Likely pathogenic for Ehlers-Danlos syndrome, type 4. Last evaluated: 2022-06-26. Review status: criteria provided, single submitter. Criteria: Invitae Variant Classification Sherloc (09022015). Collection method: clinical testing. Allele origin: germline.
Comment: Advanced modeling of protein sequence and biophysical properties (such as structural, functional, and spatial information, amino acid conservation, physicochemical variation, residue mobility, and thermodynamic stability) performed at Invitae indicates that this missense variant is expected to disrupt COL3A1 protein function. In summary, the currently available evidence indicates that the variant is pathogenic, but additional data are needed to prove that conclusively. Therefore, this variant has been classified as Likely Pathogenic. This variant disrupts the triple helix domain of COL3A1. Glycine residues within the Gly-Xaa-Yaa repeats of the triple helix domain are required for the structure and stability of fibrillar collagens (PMID: 7695699, 8218237, 19344236). In COL3A1, variants that affect these glycine residues are significantly enriched in individuals with disease (PMID: 24922459, 25758994) compared to the general population (ExAC). ClinVar contains an entry for this variant (Variation ID: 236994). This variant has not been reported in the literature in individuals affected with COL3A1-related conditions. This variant is not present in population databases (gnomAD no frequency). This sequence change replaces glycine, which is neutral and non-polar, with glutamic acid, which is acidic and polar, at codon 948 of the COL3A1 protein (p.Gly948Glu).

GeneDx
Classification: Likely pathogenic. Last evaluated: 2022-06-15. Review status: criteria provided, single submitter. Criteria: GeneDx Variant Classification Process June 2021. Collection method: clinical testing. Allele origin: germline. Affected: yes.
Comment: Occurs in the triple helical domain and replaces the glycine in the canonical Gly-X-Y repeat; missense substitution of a canonical glycine residue is expected to disrupt normal protein folding and function, and this is an established mechanism of disease (HGMD); Not observed at significant frequency in large population cohorts (gnomAD); In silico analysis supports that this missense variant has a deleterious effect on protein structure/function; Has not been previously published as pathogenic or benign to our knowledge

Literature cited by the submitters: PubMed 7695699 (cited by Labcorp Genetics (formerly Invitae), Labcorp); PubMed 8218237 (cited by Labcorp Genetics (formerly Invitae), Labcorp); PubMed 19344236 (cited by Labcorp Genetics (formerly Invitae), Labcorp); PubMed 24922459 (cited by Labcorp Genetics (formerly Invitae), Labcorp); PubMed 25758994 (cited by Labcorp Genetics (formerly Invitae), Labcorp).